The following is an entry in ClinVar:

NM_030958.3(SLCO5A1):c.798A>C (p.Leu266Phe)

Gene: SLCO5A1 (solute carrier organic anion transporter family member 5A1; minus strand). Cytogenetic location: 8q13.3.
Variant type: single nucleotide variant.
Coding change: c.798A>C on transcript NM_030958.3 (MANE Select); coding-DNA position 798, A replaced by C.
Protein change: p.Leu266Phe; replaces leucine 266 with phenylalanine.
Molecular consequence: missense variant.
Genome position (GRCh38, 1-based): chr8:69,831,876, T>G on the plus strand (A>C on the coding strand, the complement: SLCO5A1 is on the minus strand). VCF-style: chr8-69831876-T-G. GRCh37 (hg19) VCF-style: chr8-70744111-T-G.
Other names: c.798A>C, p.Leu266Phe (NM_001146008.2, NM_001146009.1); short protein forms L266F.
Identifiers: ClinVar variation 4696912 (VCV004696912.1).

ClinVar aggregate classification (germline): Uncertain significance (1 of 4 stars; one submission).

Submission:

Labcorp Genetics (formerly Invitae), Labcorp
Classification: Uncertain significance. Last evaluated: 2025-03-18. Review status: criteria provided, single submitter. Criteria: Invitae Variant Classification Sherloc (09022015). Collection method: clinical testing. Allele origin: germline.
Comment: This sequence change replaces leucine, which is neutral and non-polar, with phenylalanine, which is neutral and non-polar, at codon 266 of the SLCO5A1 protein (p.Leu266Phe). This variant is not present in population databases (gnomAD no frequency). This variant has not been reported in the literature in individuals affected with SLCO5A1-related conditions. An algorithm developed to predict the effect of missense changes on protein structure and function (PolyPhen-2) suggests that this variant is likely to be disruptive. In summary, the available evidence is currently insufficient to determine the role of this variant in disease. Therefore, it has been classified as a Variant of Uncertain Significance.